The following is an entry in ClinVar:

NM_001846.4(COL4A2):c.1978+10A>G

Gene: COL4A2 (collagen type IV alpha 2 chain; plus strand). Cytogenetic location: 13q34.
Variant type: single nucleotide variant.
Coding change: c.1978+10A>G on transcript NM_001846.4 (MANE Select); 10 bases into the intron after coding-DNA position 1978, A replaced by G.
Molecular consequence: intron variant.
Genome position (GRCh38, 1-based): chr13:110,465,616, A>G. VCF-style: chr13-110465616-A-G. GRCh37 (hg19) VCF-style: chr13-111117963-A-G.
Other names: c.1978+10A>G (NM_001846.3).
Identifiers: ClinVar variation 311139 (VCV000311139.12), dbSNP rs766115921, ClinGen allele CA7049764.

ClinVar aggregate classification (germline): Benign/Likely benign. Review status: criteria provided, multiple submitters, no conflicts (2 of 4 stars). 4 submissions from 4 submitters: Benign (1); Likely benign (2). 1 of the submissions does not count toward it. Last evaluated 2024-11-11.

Conditions:
COL4A2-related disorder. Also called: COL4A2-related disorders; COL4A2-related condition.
Brain small vessel disease 2A, autosomal dominant. Also called: Porencephaly 2. Identifiers: Orphanet 2940, Orphanet 99810, MedGen C3280970, MONDO:0013773, OMIM 614483.

Allele frequency attached by ClinVar (database versions not stated): gnomAD exomes 0.00006 and 0.00012; ExAC 0.00008; gnomAD 0.00010 and 0.00011; TOPMed 0.00012.
gnomAD v4.1: 114 of 1,599,264 alleles (0.0071%); highest among the groups gnomAD compares: Middle Eastern, 0.018%; no homozygotes.

Submissions (4):

Labcorp Genetics (formerly Invitae), Labcorp
Classification: Benign. Last evaluated: 2024-11-11. Review status: criteria provided, single submitter. Criteria: Invitae Variant Classification Sherloc (09022015). Collection method: clinical testing. Allele origin: germline.

Blueprint Genetics
Classification: Likely benign. Last evaluated: 2024-07-29. Review status: criteria provided, single submitter. Criteria: ACMG Guidelines, 2015. Collection method: clinical testing. Allele origin: germline.

Illumina Laboratory Services, Illumina
Classification: Likely benign for Brain small vessel disease 2A, autosomal dominant. Last evaluated: 2018-01-13. Review status: criteria provided, single submitter. Criteria: ICSL Variant Classification Criteria 13 December 2019. Collection method: clinical testing. Allele origin: germline.
Comment: This variant was observed in the ICSL laboratory as part of a predisposition screen in an ostensibly healthy population. It had not been previously curated by ICSL or reported in the Human Gene Mutation Database (HGMD: prior to June 1st, 2018), and was therefore a candidate for classification through an automated scoring system. Utilizing variant allele frequency, disease prevalence and penetrance estimates, and inheritance mode, an automated score was calculated to assess if this variant is too frequent to cause the disease. Based on the score and internal cut-off values, a variant classified as likely benign is not then subjected to further curation. The score for this variant resulted in a classification of likely benign for this disease.

PreventionGenetics, part of Exact Sciences
Classification: Likely benign for COL4A2-related condition. Last evaluated: 2021-09-15. Review status: no assertion criteria provided. Collection method: clinical testing. Allele origin: germline. Not counted in ClinVar's aggregate classification.
Comment: This variant is classified as likely benign based on ACMG/AMP sequence variant interpretation guidelines (Richards et al. 2015 PMID: 25741868, with internal and published modifications).